The following is an entry in ClinVar:

NM_005984.5(SLC25A1):c.596T>G (p.Phe199Cys)

Gene: SLC25A1 (solute carrier family 25 member 1; minus strand). Cytogenetic location: 22q11.21.
Variant type: single nucleotide variant.
Coding change: c.596T>G on transcript NM_005984.5 (MANE Select); coding-DNA position 596, T replaced by G.
Protein change: p.Phe199Cys; replaces phenylalanine 199 with cysteine.
Molecular consequence: missense variant. On other transcripts: non-coding transcript variant (1).
Genome position (GRCh38, 1-based): chr22:19,176,881, A>C on the plus strand (T>G on the coding strand, the complement: SLC25A1 is on the minus strand). VCF-style: chr22-19176881-A-C. GRCh37 (hg19) VCF-style: chr22-19164394-A-C.
Other names: c.617T>G, p.Phe206Cys (NM_001256534.2); c.287T>G, p.Phe96Cys (NM_001287387.2); short protein forms F199C, F206C, F96C.
Identifiers: ClinVar variation 4864575 (VCV004864575.2).

ClinVar aggregate classification (germline): Uncertain significance (1 of 4 stars; one submission).

Conditions:
Inborn genetic diseases. Identifiers: MedGen C0950123, MeSH D030342.

Submission:

Ambry Genetics
Classification: Uncertain significance for Inborn genetic diseases. Last evaluated: 2026-06-18. Review status: criteria provided, single submitter. Criteria: Ambry Variant Classification Scheme 2023. Collection method: clinical testing. Allele origin: germline.
Comment: The c.596T>G (p.F199C) alteration is located in exon 6 (coding exon 6) of the SLC25A1 gene. This alteration results from a T to G substitution at nucleotide position 596, causing the phenylalanine (F) at amino acid position 199 to be replaced by a cysteine (C). This variant was not reported in population-based cohorts in the Genome Aggregation Database (gnomAD). This amino acid position is highly conserved in available vertebrate species. This alteration is predicted to be deleterious by in silico analysis. Based on insufficient or conflicting evidence, the clinical significance of this alteration remains unclear.